The following is an entry in ClinVar:

ClinVar aggregate classification (germline): Pathogenic. Review status: criteria provided, multiple submitters, no conflicts (2 of 4 stars). 2 submissions from 2 submitters: Pathogenic (2). Last evaluated 2024-09-04.

Allele frequency attached by ClinVar (database versions not stated): gnomAD exomes below 0.00001.
gnomAD v4.1: 1 of 1,613,580 alleles (0.000062%); highest among the groups gnomAD compares: Non-Finnish European, 0.000085%; no homozygotes.

Submissions (2):

Labcorp Genetics (formerly Invitae), Labcorp
Classification: Pathogenic. Last evaluated: 2024-09-04. Review status: criteria provided, single submitter. Criteria: Invitae Variant Classification Sherloc (09022015). Collection method: clinical testing. Allele origin: germline.
Comment: This sequence change replaces glycine, which is neutral and non-polar, with arginine, which is basic and polar, at codon 2704 of the COL7A1 protein (p.Gly2704Arg). This variant is not present in population databases (gnomAD no frequency). This missense change has been observed in individual(s) with dominant epidermolysis bullosa dystrophica (PMID: 32484238; Inviate). It has also been observed to segregate with disease in related individuals. ClinVar contains an entry for this variant (Variation ID: 1806588). An algorithm developed to predict the effect of missense changes on protein structure and function (PolyPhen-2) suggests that this variant is likely to be disruptive. This variant disrupts the triple helix domain of COL7A1. Glycine residues within the Gly-Xaa-Yaa repeats of the triple helix domain are required for the structure and stability of fibrillar collagens (PMID: 7695699, 8218237, 19344236), and variants at these glycine residues in COL7A1 are more frequently observed in individuals with disease than in the general population (PMID: 22058051). However, the clinical significance of this observation remains uncertain since only a limited number of affected individuals have been described to date. This variant disrupts the p.Gly2704 amino acid residue in COL7A1. Other variant(s) that disrupt this residue have been determined to be pathogenic (PMID: 28164502). This suggests that this residue is clinically significant, and that variants that disrupt this residue are likely to be disease-causing. For these reasons, this variant has been classified as Pathogenic.

GeneDx
Classification: Pathogenic. Last evaluated: 2022-06-18. Review status: criteria provided, single submitter. Criteria: GeneDx Variant Classification Process June 2021. Collection method: clinical testing. Allele origin: germline. Affected: yes.
Comment: Located in the highly conserved Gly-X-Y repeat of the collagenous domain; Glycine substitution variants in this region of the COLVII protein destabilize the collagen triple helix resulting in skin fragility due to poor anchoring of the basement membrane to the underlying dermis (Pfendner and Lucky, 2018); Not observed at significant frequency in large population cohorts (gnomAD); In silico analysis, which includes splice predictors and evolutionary conservation, supports that this missense variant has a deleterious effect on protein structure/function, and suggests this variant may also impact gene splicing; however, in the absence of RNA/functional studies, the actual effect of this sequence change is unknown; This variant is associated with the following publications: (PMID: 32484238)

Literature cited by the submitters: PubMed 32484238 (cited by Labcorp Genetics (formerly Invitae), Labcorp); PubMed 7695699 (cited by Labcorp Genetics (formerly Invitae), Labcorp); PubMed 8218237 (cited by Labcorp Genetics (formerly Invitae), Labcorp); PubMed 19344236 (cited by Labcorp Genetics (formerly Invitae), Labcorp); PubMed 22058051 (cited by Labcorp Genetics (formerly Invitae), Labcorp); PubMed 28164502 (cited by Labcorp Genetics (formerly Invitae), Labcorp).

NM_000094.4(COL7A1):c.8110G>A (p.Gly2704Arg)

Gene: COL7A1 (collagen type VII alpha 1 chain; minus strand). Cytogenetic location: 3p21.31.
Variant type: single nucleotide variant.
Coding change: c.8110G>A on transcript NM_000094.4 (MANE Select); coding-DNA position 8110, G replaced by A.
Protein change: p.Gly2704Arg; replaces glycine 2704 with arginine.
Molecular consequence: missense variant.
Genome position (GRCh38, 1-based): chr3:48,567,023, C>T on the plus strand (G>A on the coding strand, the complement: COL7A1 is on the minus strand). VCF-style: chr3-48567023-C-T. GRCh37 (hg19) VCF-style: chr3-48604456-C-T.
Other names: short protein forms G2704R.
Identifiers: ClinVar variation 1806588 (VCV001806588.3), dbSNP rs2530818610, ClinGen allele CA352640306.